The following is an entry in ClinVar:

ClinVar aggregate classification (germline): Uncertain significance (1 of 4 stars; one submission).

Submission:

GeneDx
Classification: Uncertain significance. Last evaluated: 2025-01-06. Review status: criteria provided, single submitter. Criteria: GeneDx Variant Classification Process June 2021. Collection method: clinical testing. Allele origin: germline. Affected: yes.
Comment: Not observed at significant frequency in large population cohorts (gnomAD); In silico analysis supports that this missense variant has a deleterious effect on protein structure/function; Has not been previously published as pathogenic or benign to our knowledge

NM_001378452.1(ITPR1):c.203C>T (p.Ala68Val)

Gene: ITPR1 (inositol 1,4,5-trisphosphate receptor type 1; plus strand). Cytogenetic location: 3p26.1.
Variant type: single nucleotide variant.
Coding change: c.203C>T on transcript NM_001378452.1 (MANE Select); coding-DNA position 203, C replaced by T.
Protein change: p.Ala68Val; replaces alanine 68 with valine.
Molecular consequence: missense variant.
Genome position (GRCh38, 1-based): chr3:4,627,802, C>T. VCF-style: chr3-4627802-C-T. GRCh37 (hg19) VCF-style: chr3-4669486-C-T.
Other names: c.203C>T, p.Ala68Val (NM_001099952.4, NM_001168272.2, NM_002222.7); short protein forms A68V.
Identifiers: ClinVar variation 4056047 (VCV004056047.1).